The following is an entry in ClinVar:

NM_020778.5(ALPK3):c.-74G>T

Gene: ALPK3 (alpha kinase 3; plus strand). Cytogenetic location: 15q25.3.
Variant type: single nucleotide variant.
Coding change: c.-74G>T on transcript NM_020778.5 (MANE Select); 74 bases upstream of the start codon, G replaced by T.
Molecular consequence: 5 prime UTR variant.
Genome position (GRCh38, 1-based): chr15:84,817,379, G>T. VCF-style: chr15-84817379-G-T. GRCh37 (hg19) VCF-style: chr15-85360610-G-T.
Identifiers: ClinVar variation 1425084 (VCV001425084.13), dbSNP rs1444549839, ClinGen allele CA393369107.

ClinVar aggregate classification (germline): Uncertain significance. Review status: criteria provided, multiple submitters, no conflicts (2 of 4 stars). 4 submissions from 4 submitters: Uncertain significance (4). Last evaluated 2026-05-22.

Conditions:
ALPK3-related disorder. Also called: ALPK3-related condition.
Cardiovascular phenotype. Identifiers: MedGen CN230736.

Allele frequency attached by ClinVar (database versions not stated): TOPMed 0.00002.
gnomAD v4.1: 6 of 1,221,600 alleles (0.00049%); highest among the groups gnomAD compares: East Asian, 0.0033%; no homozygotes.

Submissions (4):

PreventionGenetics, part of Exact Sciences
Classification: Uncertain significance for ALPK3-related condition. Last evaluated: 2026-05-22. Review status: criteria provided, single submitter. Criteria: ACMG Guidelines, 2015. Collection method: clinical testing. Allele origin: germline.
Comment: The ALPK3 c.533G>T variant is predicted to result in the amino acid substitution p.Gly178Val. To our knowledge, this variant has not been reported in the literature or in a large population database (gnomAD), indicating this variant is rare. However, the coverage of this variant in gnomAD should be interpreted with caution. At this time, the clinical significance of this variant is uncertain due to the absence of conclusive functional and genetic evidence.

Labcorp Genetics (formerly Invitae), Labcorp
Classification: Uncertain significance. Last evaluated: 2026-01-08. Review status: criteria provided, single submitter. Criteria: Invitae Variant Classification Sherloc (09022015). Collection method: clinical testing. Allele origin: germline.
Comment: This sequence change replaces glycine, which is neutral and non-polar, with valine, which is neutral and non-polar, at codon 178 of the ALPK3 protein (p.Gly178Val). This variant is not present in population databases (gnomAD no frequency). This variant has not been reported in the literature in individuals affected with ALPK3-related conditions. ClinVar contains an entry for this variant (Variation ID: 1425084). An algorithm developed to predict the effect of missense changes on protein structure and function (PolyPhen-2) suggests that this variant is likely to be tolerated. In summary, the available evidence is currently insufficient to determine the role of this variant in disease. Therefore, it has been classified as a Variant of Uncertain Significance.

Ambry Genetics
Classification: Uncertain significance for Cardiovascular phenotype. Last evaluated: 2025-04-13. Review status: criteria provided, single submitter. Criteria: Ambry Variant Classification Scheme 2023. Collection method: clinical testing. Allele origin: germline.

GeneDx
Classification: Uncertain significance. Last evaluated: 2024-11-21. Review status: criteria provided, single submitter. Criteria: GeneDx Variant Classification Process June 2021. Collection method: clinical testing. Allele origin: germline. Affected: yes.
Comment: Has not been previously published as pathogenic or benign to our knowledge; Not observed at significant frequency in large population cohorts (gnomAD); Nucleotide is not conserved across species and the substitution has no predicted effect on splicing